The following is an entry in ClinVar:

NM_006509.4(RELB):c.993G>A (p.Glu331=)

Gene: RELB (RELB proto-oncogene, NF-kB subunit; plus strand). Cytogenetic location: 19q13.32.
Variant type: single nucleotide variant.
Coding change: c.993G>A on transcript NM_006509.4 (MANE Select); coding-DNA position 993, G replaced by A.
Protein change: p.Glu331=; no amino-acid change (glutamic acid 331 retained).
Molecular consequence: synonymous variant.
Genome position (GRCh38, 1-based): chr19:45,032,535, G>A. VCF-style: chr19-45032535-G-A. GRCh37 (hg19) VCF-style: chr19-45535793-G-A.
Other names: c.984G>A, p.Glu328= (NM_001411087.1).
Identifiers: ClinVar variation 3650434 (VCV003650434.2).

ClinVar aggregate classification (germline): Uncertain significance (1 of 4 stars; one submission).

Submission:

Labcorp Genetics (formerly Invitae), Labcorp
Classification: Uncertain significance. Last evaluated: 2024-12-08. Review status: criteria provided, single submitter. Criteria: Invitae Variant Classification Sherloc (09022015). Collection method: clinical testing. Allele origin: germline.
Comment: This sequence change affects codon 331 of the RELB mRNA. It is a 'silent' change, meaning that it does not change the encoded amino acid sequence of the RELB protein. This variant is not present in population databases (gnomAD no frequency). This variant has not been reported in the literature in individuals affected with RELB-related conditions. Algorithms developed to predict the effect of sequence changes on RNA splicing suggest that this variant may create or strengthen a splice site. In summary, the available evidence is currently insufficient to determine the role of this variant in disease. Therefore, it has been classified as a Variant of Uncertain Significance.